The following is an entry in ClinVar:

NM_144639.3(UROC1):c.243C>T (p.Pro81=)

Gene: UROC1 (urocanate hydratase 1; minus strand). Cytogenetic location: 3q21.3.
Variant type: single nucleotide variant.
Coding change: c.243C>T on transcript NM_144639.3 (MANE Select); coding-DNA position 243, C replaced by T.
Protein change: p.Pro81=; no amino-acid change (proline 81 retained).
Molecular consequence: synonymous variant.
Genome position (GRCh38, 1-based): chr3:126,510,678, G>A on the plus strand (C>T on the coding strand, the complement: UROC1 is on the minus strand). VCF-style: chr3-126510678-G-A. GRCh37 (hg19) VCF-style: chr3-126229521-G-A.
Other names: c.243C>T, p.Pro81= (NM_001165974.2).
Identifiers: ClinVar variation 3047122 (VCV003047122.9), dbSNP rs146123156, ClinGen allele CA2591637.
Genomic context (GRCh38, chr3:126,510,678, plus strand): 5'-CTGCCTGCCCCTCGGGTCCCTTTGAAGCTGTACCCACAAGGCTGACCTCATTTCAATGTC[G>A]GGGCAAAACCGGTACATGTAGATGTGTCCGTACAGTTGCAGCTCCTGGGCAAACTCTGGG-3'
Protein context (NP_653240.1, residues 71-91): YGHIYMYRFC[Pro81=]DIEMRAYPIE

ClinVar aggregate classification (germline): Likely benign. Review status: criteria provided, multiple submitters, no conflicts (2 of 4 stars). 3 submissions from 3 submitters: Likely benign (2). 1 of the submissions does not count toward it. Last evaluated 2025-11-01.

Conditions:
UROC1-related disorder. Also called: UROC1-related condition.

Allele frequency attached by ClinVar (database versions not stated): ESP Exome Variant Server 0.00046; gnomAD 0.00064; TOPMed 0.00065; ExAC 0.00079; gnomAD exomes 0.00105.
gnomAD v4.1: 1,621 of 1,613,930 alleles (0.1%); highest among the groups gnomAD compares: South Asian, 0.12%; 3 homozygotes.

Submissions (3):

CeGaT Center for Human Genetics Tuebingen
Classification: Likely benign. Last evaluated: 2025-11-01. Review status: criteria provided, single submitter. Criteria: CeGaT Center For Human Genetics Tuebingen Variant Classification Criteria Version 2. Collection method: clinical testing. Allele origin: germline. Affected: yes. Observed: 1 variant allele.
Comment: UROC1: BP4, BP7

Blueprint Genetics
Classification: Likely benign. Last evaluated: 2024-11-19. Review status: criteria provided, single submitter. Criteria: ACMG Guidelines, 2015. Collection method: clinical testing. Allele origin: germline.

PreventionGenetics, part of Exact Sciences
Classification: Likely benign for UROC1-related condition. Last evaluated: 2019-04-11. Review status: no assertion criteria provided. Collection method: clinical testing. Allele origin: germline. Not counted in ClinVar's aggregate classification.
Comment: This variant is classified as likely benign based on ACMG/AMP sequence variant interpretation guidelines (Richards et al. 2015 PMID: 25741868, with internal and published modifications).